The following is an entry in ClinVar:

NM_001371986.1(UNC80):c.8865G>T (p.Leu2955Phe)

Gene: UNC80 (unc-80 subunit of NALCN channel complex; plus strand). Cytogenetic location: 2q34.
Variant type: single nucleotide variant.
Coding change: c.8865G>T on transcript NM_001371986.1 (MANE Select); coding-DNA position 8865, G replaced by T.
Protein change: p.Leu2955Phe; replaces leucine 2955 with phenylalanine.
Molecular consequence: missense variant.
Genome position (GRCh38, 1-based): chr2:209,977,005, G>T. VCF-style: chr2-209977005-G-T. GRCh37 (hg19) VCF-style: chr2-210841729-G-T.
Other names: c.8667G>T, p.Leu2889Phe (NM_032504.2); c.8652G>T, p.Leu2884Phe (NM_182587.4); short protein forms L2889F, L2955F, L2884F.
Identifiers: ClinVar variation 1997687 (VCV001997687.4), dbSNP rs772743904, ClinGen allele CA2083601.

ClinVar aggregate classification (germline): Uncertain significance (1 of 4 stars; one submission).

Allele frequency attached by ClinVar (database versions not stated): ExAC 0.00005.
gnomAD v4.1: 3 of 1,539,142 alleles (0.00019%); highest among the groups gnomAD compares: South Asian, 0.0036%; no homozygotes.

Submission:

Labcorp Genetics (formerly Invitae), Labcorp
Classification: Uncertain significance. Last evaluated: 2022-05-21. Review status: criteria provided, single submitter. Criteria: Invitae Variant Classification Sherloc (09022015). Collection method: clinical testing. Allele origin: germline.
Comment: This variant has not been reported in the literature in individuals affected with UNC80-related conditions. In summary, the available evidence is currently insufficient to determine the role of this variant in disease. Therefore, it has been classified as a Variant of Uncertain Significance. Algorithms developed to predict the effect of missense changes on protein structure and function are either unavailable or do not agree on the potential impact of this missense change (SIFT: "Not Available"; PolyPhen-2: "Probably Damaging"; Align-GVGD: "Not Available"). This variant is present in population databases (rs772743904, gnomAD 0.009%). This sequence change replaces leucine, which is neutral and non-polar, with phenylalanine, which is neutral and non-polar, at codon 2889 of the UNC80 protein (p.Leu2889Phe).